The following is an entry in ClinVar:

ClinVar aggregate classification (germline): Uncertain significance (1 of 4 stars; one submission).

Conditions:
Neuropathy, hereditary sensory and autonomic, type 2A (HSAN2A). Also called: WNK1-Related HSAN2 (HSAN2A); MORVAN DISEASE; ACROOSTEOLYSIS, GIACCAI TYPE; ACROOSTEOLYSIS, NEUROGENIC; NEUROPATHY, CONGENITAL SENSORY; NEUROPATHY, HEREDITARY SENSORY RADICULAR, AUTOSOMAL RECESSIVE. Identifiers: Orphanet 970, MedGen C2752089, MONDO:0024309, OMIM 201300.
Generalized epilepsy with febrile seizures plus, type 7 (GEFSP7). Also called: GEFS+, TYPE 7. Identifiers: Orphanet 36387, MedGen C2751778, MONDO:0013470, OMIM 613863.

gnomAD v4.1: 2 of 1,614,156 alleles (0.00012%); highest among the groups gnomAD compares: East Asian, 0.0045%; no homozygotes.

Submission:

Labcorp Genetics (formerly Invitae), Labcorp
Classification: Uncertain significance for Neuropathy, hereditary sensory and autonomic, type 2A; Generalized epilepsy with febrile seizures plus, type 7. Last evaluated: 2022-04-05. Review status: criteria provided, single submitter. Criteria: Invitae Variant Classification Sherloc (09022015). Collection method: clinical testing. Allele origin: germline.
Comment: In summary, the available evidence is currently insufficient to determine the role of this variant in disease. Therefore, it has been classified as a Variant of Uncertain Significance. Algorithms developed to predict the effect of missense changes on protein structure and function are either unavailable or do not agree on the potential impact of this missense change (SIFT: "Tolerated"; PolyPhen-2: "Possibly Damaging"; Align-GVGD: "Class C0"). This variant has not been reported in the literature in individuals affected with SCN9A-related conditions. This variant is not present in population databases (gnomAD no frequency). This sequence change replaces histidine, which is basic and polar, with arginine, which is basic and polar, at codon 619 of the SCN9A protein (p.His619Arg).

NM_001365536.1(SCN9A):c.1856A>G (p.His619Arg)

Genes: SCN1A-AS1 (SCN1A and SCN9A antisense RNA 1; plus strand), SCN9A (sodium voltage-gated channel alpha subunit 9; minus strand). Cytogenetic location: 2q24.3.
Variant type: single nucleotide variant.
Coding change: c.1856A>G on transcript NM_001365536.1 (MANE Select); coding-DNA position 1856, A replaced by G.
Protein change: p.His619Arg; replaces histidine 619 with arginine.
Molecular consequence: missense variant.
Genome position (GRCh38, 1-based): chr2:166,284,571, T>C on the plus strand (A>G on the coding strand, the complement: SCN9A is on the minus strand). VCF-style: chr2-166284571-T-C. GRCh37 (hg19) VCF-style: chr2-167141081-T-C.
Other names: c.1856A>G, p.His619Arg (NM_002977.4); short protein forms H619R.
Identifiers: ClinVar variation 2121769 (VCV002121769.4), dbSNP rs757910184, ClinGen allele CA349082947.